The following is an entry in ClinVar:

ClinVar aggregate classification (germline): Likely pathogenic (1 of 4 stars; one submission).

Conditions:
Corneal dystrophy-perceptive deafness syndrome (CDPD). Also called: CORNEAL DYSTROPHY AND SENSORINEURAL DEAFNESS; HARBOYAN SYNDROME. Identifiers: Orphanet 1490, MedGen C1857572, MONDO:0009015, OMIM 217400.

gnomAD v4.1: 18 of 1,613,738 alleles (0.0011%); highest among the groups gnomAD compares: African/African-American, 0.0013%; no homozygotes.

Submission:

Natera, Inc.
Classification: Likely pathogenic for Corneal dystrophy-perceptive deafness syndrome. Last evaluated: 2025-12-08. Review status: criteria provided, single submitter. Criteria: Natera Variant Classification Schema (03/2026). Collection method: clinical testing. Allele origin: germline.
Comment: The c.1180G>A variant in SLC4A11 is a missense variant predicted to cause substitution of glycine to arginine at amino acid 394. This variant is rare in the general population with a frequency below the threshold expected for the associated phenotype(s). Another variant at this same site results in an alteration predicted to cause a similar molecular effect has been observed in individual(s) with the associated phenotype. Computational prediction algorithms indicate this variant is likely to affect gene or protein function. Given the available evidence, this variant is classified as Likely Pathogenic.

NM_001174089.2(SLC4A11):c.1132G>A (p.Gly378Arg)

Gene: SLC4A11 (solute carrier family 4 member 11; minus strand). Cytogenetic location: 20p13.
Variant type: single nucleotide variant.
Coding change: c.1132G>A on transcript NM_001174089.2 (MANE Select); coding-DNA position 1132, G replaced by A.
Protein change: p.Gly378Arg; replaces glycine 378 with arginine.
Molecular consequence: missense variant. On other transcripts: non-coding transcript variant (3).
Genome position (GRCh38, 1-based): chr20:3,230,969, C>T on the plus strand (G>A on the coding strand, the complement: SLC4A11 is on the minus strand). VCF-style: chr20-3230969-C-T. GRCh37 (hg19) VCF-style: chr20-3211615-C-T.
Other names: c.1261G>A, p.Gly421Arg (NM_001174090.2, NM_001400280.1); c.1132G>A, p.Gly378Arg (NM_001363745.2); c.1075G>A, p.Gly359Arg (NM_001400277.1, NM_001400278.1, NM_001400279.1); c.1180G>A, p.Gly394Arg (NM_032034.4); short protein forms G359R, G378R, G394R, G421R.
Identifiers: ClinVar variation 4816296 (VCV004816296.1).